The following is an entry in ClinVar:

NM_000214.3(JAG1):c.52C>T (p.Leu18Phe)

Gene: JAG1 (jagged canonical Notch ligand 1; minus strand). Cytogenetic location: 20p12.2.
Variant type: single nucleotide variant.
Coding change: c.52C>T on transcript NM_000214.3 (MANE Select); coding-DNA position 52, C replaced by T.
Protein change: p.Leu18Phe; replaces leucine 18 with phenylalanine.
Molecular consequence: missense variant.
Genome position (GRCh38, 1-based): chr20:10,673,479, G>A on the plus strand (C>T on the coding strand, the complement: JAG1 is on the minus strand). VCF-style: chr20-10673479-G-A. GRCh37 (hg19) VCF-style: chr20-10654127-G-A.
Other names: c.52C>T (NM_000214.2); short protein forms L18F.
Identifiers: ClinVar variation 2159472 (VCV002159472.6), dbSNP rs1333175594, ClinGen allele CA408244161.

ClinVar aggregate classification (germline): Uncertain significance. Review status: criteria provided, multiple submitters, no conflicts (2 of 4 stars). 3 submissions from 3 submitters: Uncertain significance (3). Last evaluated 2025-07-25.

Conditions:
JAG1-related disorder. Also called: JAG1-related condition; JAG1-related disorders.
Alagille syndrome due to a JAG1 point mutation. Also called: HEPATIC DUCTULAR HYPOPLASIA, SYNDROMATIC; JAG1-Related Alagille Syndrome; Alagille Syndrome 1. Identifiers: Orphanet 261619, Orphanet 52, MedGen C1956125, MONDO:0016862, OMIM 118450.
Deafness, congenital heart defects, and posterior embryotoxon (DCHE). Identifiers: MedGen C1866053, MONDO:0060713, OMIM 617992.
Charcot-Marie-Tooth disease, axonal, Type 2HH. Also called: CHARCOT-MARIE-TOOTH NEUROPATHY, TYPE 2HH. Identifiers: MedGen C5562003, MONDO:0030458, OMIM 619574.
Tetralogy of Fallot (TOF). Identifiers: Orphanet 3303, MedGen C0039685, MONDO:0008542, OMIM 187500, HP:0001636.

Allele frequency attached by ClinVar (database versions not stated): gnomAD exomes below 0.00001.
gnomAD v4.1: 2 of 1,366,240 alleles (0.00015%); highest among the groups gnomAD compares: Admixed American, 0.0067%; no homozygotes.

Submissions (3):

PreventionGenetics, part of Exact Sciences
Classification: Uncertain significance for JAG1-related condition. Last evaluated: 2025-07-25. Review status: criteria provided, single submitter. Criteria: ACMG Guidelines, 2015. Collection method: clinical testing. Allele origin: germline.
Comment: The JAG1 c.52C>T variant is predicted to result in the amino acid substitution p.Leu18Phe. To our knowledge, this variant has not been reported in the literature or in a large population database (gnomAD), indicating this variant is rare. At this time, the clinical significance of this variant is uncertain due to the absence of conclusive functional and genetic evidence.

Fulgent Genetics
Classification: Uncertain significance for Alagille syndrome due to a JAG1 point mutation; Tetralogy of Fallot; Deafness, congenital heart defects, and posterior embryotoxon; Charcot-Marie-Tooth disease, axonal, Type 2HH. Last evaluated: 2024-05-24. Review status: criteria provided, single submitter. Criteria: ACMG Guidelines, 2015. Collection method: clinical testing. Allele origin: germline.

Labcorp Genetics (formerly Invitae), Labcorp
Classification: Uncertain significance for Alagille syndrome due to a JAG1 point mutation. Last evaluated: 2022-10-08. Review status: criteria provided, single submitter. Criteria: Invitae Variant Classification Sherloc (09022015). Collection method: clinical testing. Allele origin: germline.
Comment: In summary, the available evidence is currently insufficient to determine the role of this variant in disease. Therefore, it has been classified as a Variant of Uncertain Significance. Advanced modeling of protein sequence and biophysical properties (such as structural, functional, and spatial information, amino acid conservation, physicochemical variation, residue mobility, and thermodynamic stability) performed at Invitae indicates that this missense variant is not expected to disrupt JAG1 protein function. This variant has not been reported in the literature in individuals affected with JAG1-related conditions. This variant is not present in population databases (gnomAD no frequency). This sequence change replaces leucine, which is neutral and non-polar, with phenylalanine, which is neutral and non-polar, at codon 18 of the JAG1 protein (p.Leu18Phe).